The following is an entry in ClinVar:

ClinVar aggregate classification (germline): Conflicting classifications of pathogenicity. Review status: criteria provided, conflicting classifications (1 of 4 stars). 2 submissions from 2 submitters: Likely pathogenic (1); Uncertain significance (1). Last evaluated 2025-09-24.

Conditions:
Polycystic kidney disease, adult type (PKD1). Also called: Polycystic Kidney, Autosomal Dominant; POLYCYSTIC KIDNEY DISEASE, ADULT, TYPE I; Polycystic Kidney Disease 1, Autosomal Dominant; Polycystic kidney disease 1; Polycystic kidney disease 1, severe; POLYCYSTIC KIDNEY DISEASE 1 WITH OR WITHOUT POLYCYSTIC LIVER DISEASE. Identifiers: MedGen C3149841, MONDO:0008263, OMIM 173900.
PKD1-related disorder. Also called: PKD1-related condition.

Submissions (2):

MVZ Medizinische Genetik Mainz
Classification: Uncertain significance for Polycystic kidney disease, adult type. Last evaluated: 2025-09-24. Review status: criteria provided, single submitter. Criteria: UK Practice Guidelines For Variant Classification V4 01 2020. Collection method: clinical testing. Allele origin: germline. Inheritance: Autosomal dominant inheritance. Affected: yes. Observed: 1 variant allele.
Comment: ACMG Criteria: PM2_SUP,PP3,PP4

Blueprint Genetics
Classification: Likely pathogenic for PKD1-related disorders. Last evaluated: 2019-06-18. Review status: criteria provided, single submitter. Criteria: ACMG Guidelines, 2015. Collection method: clinical testing. Allele origin: germline. Affected: yes. Observed: 1 variant allele.

NM_001009944.3(PKD1):c.215+3G>C

Gene: PKD1 (polycystin 1, transient receptor potential channel interacting; minus strand). Cytogenetic location: 16p13.3.
Variant type: single nucleotide variant.
Coding change: c.215+3G>C on transcript NM_001009944.3 (MANE Select); 3 bases into the intron after coding-DNA position 215, G replaced by C.
Molecular consequence: intron variant.
Genome position (GRCh38, 1-based): chr16:2,135,472, C>G on the plus strand (G>C on the coding strand, the complement: PKD1 is on the minus strand). VCF-style: chr16-2135472-C-G. GRCh37 (hg19) VCF-style: chr16-2185473-C-G.
Other names: c.215+3G>C (NM_000296.4).
Identifiers: ClinVar variation 4526527 (VCV004526527.2).